The following is an entry in ClinVar:

ClinVar aggregate classification (germline): Uncertain significance (1 of 4 stars; one submission).

Conditions:
Inborn genetic diseases. Identifiers: MedGen C0950123, MeSH D030342.

Submission:

Ambry Genetics
Classification: Uncertain significance for Inborn genetic diseases. Last evaluated: 2026-02-27. Review status: criteria provided, single submitter. Criteria: Ambry Variant Classification Scheme 2023. Collection method: clinical testing. Allele origin: germline.
Comment: The c.2416C>T (p.R806C) alteration is located in exon 16 (coding exon 16) of the FGD1 gene. This alteration results from a C to T substitution at nucleotide position 2416, causing the arginine (R) at amino acid position 806 to be replaced by a cysteine (C). Based on data from gnomAD, the T allele has an overall frequency of <0.001% (0/181976) total alleles studied. The highest observed frequency was <0.001% (/) of alleles. Based on insufficient or conflicting evidence, the clinical significance of this alteration remains unclear.

NM_004463.3(FGD1):c.2416C>T (p.Arg806Cys)

Gene: FGD1 (FYVE, RhoGEF and PH domain containing 1; minus strand). Cytogenetic location: Xp11.22.
Variant type: single nucleotide variant.
Coding change: c.2416C>T on transcript NM_004463.3 (MANE Select); coding-DNA position 2416, C replaced by T.
Protein change: p.Arg806Cys; replaces arginine 806 with cysteine.
Molecular consequence: missense variant.
Genome position (GRCh38, 1-based): chrX:54,448,826, G>A on the plus strand (C>T on the coding strand, the complement: FGD1 is on the minus strand). VCF-style: chrX-54448826-G-A. GRCh37 (hg19) VCF-style: chrX-54475259-G-A.
Other names: short protein forms R806C.
Identifiers: ClinVar variation 4840682 (VCV004840682.1).
Genomic context (GRCh38, chrX:54,448,826, plus strand): 5'-TTGCCCACTGTGGGAGAGTTAGTCAGGGGCTGGCTCTTACCTCCAGGATGGACCTCCGGC[G>A]CTGGGGTGTATGCTGGCTGCAGGCTGGACTGCTCCCAGGCACCCCGTGCAAGGCCACATA-3'
Protein context (NP_004454.2, residues 796-816): SPACSQHTPQ[Arg806Cys]RRSILEKQAS